The following is an entry in ClinVar:

NM_000257.4(MYH7):c.4170-5G>T

Gene: MYH7 (myosin heavy chain 7; minus strand). Cytogenetic location: 14q11.2.
Variant type: single nucleotide variant.
Coding change: c.4170-5G>T on transcript NM_000257.4 (MANE Select); 5 bases into the intron before coding-DNA position 4170, G replaced by T.
Molecular consequence: intron variant.
Genome position (GRCh38, 1-based): chr14:23,417,691, C>A on the plus strand (G>T on the coding strand, the complement: MYH7 is on the minus strand). VCF-style: chr14-23417691-C-A. GRCh37 (hg19) VCF-style: chr14-23886900-C-A.
Other names: c.4170-5G>T (NM_001407004.1).
Identifiers: ClinVar variation 2730841 (VCV002730841.4), dbSNP rs755468667, ClinGen allele CA2697553848.
Genomic context (GRCh38, chr14:23,417,691, plus strand): 5'-CATTAACAGCCTCCACGGCCTCCTCAGCTTCCTGCAGCCGCTGGGCCAGCTTCTTCCTGC[C>A]CAGGGGAGGGTGGCAGAGGGTGGGGAGGATGGAGGGTGTGGATGGGGACAAGAGGAAACA-3'

ClinVar aggregate classification (germline): Uncertain significance. Review status: criteria provided, multiple submitters, no conflicts (2 of 4 stars). 2 submissions from 2 submitters: Uncertain significance (2). Last evaluated 2023-06-27.

Conditions:
Cardiovascular phenotype. Identifiers: MedGen CN230736.
Hypertrophic cardiomyopathy. Also called: HYPERTROPHIC MYOCARDIOPATHY. Identifiers: Orphanet 217569, MedGen C0007194, MeSH D002312, MONDO:0005045, HP:0001639.

Submissions (2):

Labcorp Genetics (formerly Invitae), Labcorp
Classification: Uncertain significance for Hypertrophic cardiomyopathy. Last evaluated: 2023-06-27. Review status: criteria provided, single submitter. Criteria: Invitae Variant Classification Sherloc (09022015). Collection method: clinical testing. Allele origin: germline.
Comment: Algorithms developed to predict the effect of sequence changes on RNA splicing suggest that this variant may disrupt the consensus splice site. In summary, the available evidence is currently insufficient to determine the role of this variant in disease. Therefore, it has been classified as a Variant of Uncertain Significance. This variant has not been reported in the literature in individuals affected with MYH7-related conditions. This sequence change falls in intron 30 of the MYH7 gene. It does not directly change the encoded amino acid sequence of the MYH7 protein. This variant is not present in population databases (gnomAD no frequency).

Ambry Genetics
Classification: Uncertain significance for Cardiovascular phenotype. Last evaluated: 2023-02-13. Review status: criteria provided, single submitter. Criteria: Ambry Variant Classification Scheme 2023. Collection method: clinical testing. Allele origin: germline.
Comment: The c.4170-5G>T intronic variant results from a G to T substitution 5 nucleotides upstream from coding exon 29 in the MYH7 gene. This nucleotide position is well conserved in available vertebrate species. In silico splice site analysis predicts that this alteration will not have any significant effect on splicing. Since supporting evidence is limited at this time, the clinical significance of this alteration remains unclear.